The following is an entry in ClinVar:

ClinVar aggregate classification (germline): Conflicting classifications of pathogenicity. Review status: criteria provided, conflicting classifications (1 of 4 stars). 13 submissions from 9 submitters: Uncertain significance (4); Benign (2); Likely benign (5). 2 of the submissions do not count toward it. Last evaluated 2025-12-23.

Conditions:
TTN-related disorder. Also called: TTN-related condition; TTN-related disease; TTN-related disorders.
Dilated cardiomyopathy 1G (CMD1G). Identifiers: Orphanet 154, MedGen C1858763, MONDO:0011400, OMIM 604145.
Autosomal recessive limb-girdle muscular dystrophy type 2J (LGMDR10). Also called: Limb-girdle muscular dystrophy, type 2J; MUSCULAR DYSTROPHY, LIMB-GIRDLE, AUTOSOMAL RECESSIVE 10. Identifiers: Orphanet 140922, MedGen C1837342, MONDO:0012127, OMIM 608807.
Cardiovascular phenotype. Identifiers: MedGen CN230736.
Early-onset myopathy with fatal cardiomyopathy (CMYO5). Also called: CONGENITAL MYOPATHY 5 WITH CARDIOMYOPATHY; Salih Myopathy. Identifiers: Orphanet 289377, MedGen C2673677, MONDO:0012714, OMIM 611705. Disease mechanism: loss of function.
Tibial muscular dystrophy (TMD). Also called: Udd Distal Myopathy – Tibial Muscular Dystrophy; UDD MYOPATHY; Tibial muscular dystrophy, tardive. Identifiers: Orphanet 609, MedGen C1838244, MONDO:0010870, OMIM 600334.
Myopathy, myofibrillar, 9, with early respiratory failure (MFM9). Also called: Hereditary myopathy with early respiratory failure; EDSTROM MYOPATHY; MYOPATHY, PROXIMAL, WITH EARLY RESPIRATORY MUSCLE INVOLVEMENT; Myopathy, distal, with early respiratory failure, autosomal dominant. Identifiers: Orphanet 178464, Orphanet 34521, MedGen C1863599, MONDO:0011362, OMIM 603689.

Allele frequency attached by ClinVar (database versions not stated): gnomAD exomes 0.00006 and 0.00025; gnomAD 0.00012 and 0.00013; TOPMed 0.00013; ExAC 0.00020; 1000 Genomes Project 30x 0.00047; 1000 Genomes Project 0.00060.
gnomAD v4.1: 109 of 1,613,578 alleles (0.0068%); highest among the groups gnomAD compares: East Asian, 0.17%; no homozygotes.

Submissions (13):

Labcorp Genetics (formerly Invitae), Labcorp
Classification: Likely benign for Dilated cardiomyopathy 1G; Autosomal recessive limb-girdle muscular dystrophy type 2J. Last evaluated: 2025-12-23. Review status: criteria provided, single submitter. Criteria: Invitae Variant Classification Sherloc (09022015). Collection method: clinical testing. Allele origin: germline.

PreventionGenetics, part of Exact Sciences
Classification: Likely benign for TTN-related condition. Last evaluated: 2025-04-08. Review status: criteria provided, single submitter. Criteria: ACMG Guidelines, 2015. Collection method: clinical testing. Allele origin: germline.
Comment: This variant is classified as likely benign based on ACMG/AMP sequence variant interpretation guidelines (Richards et al. 2015 PMID: 25741868, with internal and published modifications).

Blueprint Genetics
Classification: Likely benign. Last evaluated: 2024-01-23. Review status: criteria provided, single submitter. Criteria: ACMG Guidelines, 2015. Collection method: clinical testing. Allele origin: germline.

GeneDx
Classification: Likely benign. Last evaluated: 2020-11-06. Review status: criteria provided, single submitter. Criteria: GeneDx Variant Classification Process June 2021. Collection method: clinical testing. Allele origin: germline. Affected: yes.
Comment: This variant is associated with the following publications: (PMID: 23861362)

Ambry Genetics
Classification: Likely benign for Cardiovascular phenotype. Last evaluated: 2019-06-13. Review status: criteria provided, single submitter. Criteria: Ambry Variant Classification Scheme 2023. Collection method: clinical testing. Allele origin: germline.

Illumina Laboratory Services, Illumina
Classification: Uncertain significance for Dilated cardiomyopathy 1G. Last evaluated: 2018-01-13. Review status: criteria provided, single submitter. Criteria: ICSL Variant Classification Criteria 13 December 2019. Collection method: clinical testing. Allele origin: germline.

Illumina Laboratory Services, Illumina
Classification: Uncertain significance for Autosomal recessive limb-girdle muscular dystrophy type 2J. Last evaluated: 2018-01-13. Review status: criteria provided, single submitter. Criteria: ICSL Variant Classification Criteria 13 December 2019. Collection method: clinical testing. Allele origin: germline.

Illumina Laboratory Services, Illumina
Classification: Uncertain significance for Early-onset myopathy with fatal cardiomyopathy. Last evaluated: 2018-01-13. Review status: criteria provided, single submitter. Criteria: ICSL Variant Classification Criteria 13 December 2019. Collection method: clinical testing. Allele origin: germline.

Illumina Laboratory Services, Illumina
Classification: Benign for Myopathy, myofibrillar, 9, with early respiratory failure. Last evaluated: 2018-01-13. Review status: criteria provided, single submitter. Criteria: ICSL Variant Classification Criteria 13 December 2019. Collection method: clinical testing. Allele origin: germline.
Comment: This variant was observed in the ICSL laboratory as part of a predisposition screen in an ostensibly healthy population. It had not been previously curated by ICSL or reported in the Human Gene Mutation Database (HGMD: prior to June 1st, 2018), and was therefore a candidate for classification through an automated scoring system. Utilizing variant allele frequency, disease prevalence and penetrance estimates, and inheritance mode, an automated score was calculated to assess if this variant is too frequent to cause the disease. Based on the score and internal cut-off values, a variant classified as benign is not then subjected to further curation. The score for this variant resulted in a classification of benign for this disease.

Illumina Laboratory Services, Illumina
Classification: Benign for Tibial muscular dystrophy. Last evaluated: 2018-01-13. Review status: criteria provided, single submitter. Criteria: ICSL Variant Classification Criteria 13 December 2019. Collection method: clinical testing. Allele origin: germline.
Comment: the same text as in the submission from Illumina Laboratory Services, Illumina above.

Biesecker Lab/Clinical Genomics Section, National Institutes of Health
Classification: Uncertain significance. Last evaluated: 2013-06-24. Review status: criteria provided, single submitter. Criteria: Ng et al. (Circ Cardiovasc Genet. 2013). Collection method: research. Allele origin: unknown. Observed: 1 variant allele. Study: ClinSeq.
Comment: The study set was not selected for affection status in relation to any cancer. Pathogenicity categories were based on literature curation. See Pubmed ID:23861362 for details.

Medical sequencing

Genome Diagnostics Laboratory, University Medical Center Utrecht
Classification: Likely benign. Review status: no assertion criteria provided. Collection method: clinical testing. Allele origin: germline. Affected: yes. Study: VKGL Data-share Consensus. Not counted in ClinVar's aggregate classification.

Joint Genome Diagnostic Labs from Nijmegen and Maastricht, Radboudumc and MUMC+
Classification: Likely benign. Review status: no assertion criteria provided. Collection method: clinical testing. Allele origin: germline. Affected: yes. Study: VKGL Data-share Consensus. Not counted in ClinVar's aggregate classification.

NM_001267550.2(TTN):c.82688G>A (p.Arg27563His)

Genes: TTN (titin; minus strand), TTN-AS1 (TTN antisense RNA 1; plus strand). Cytogenetic location: 2q31.2.
Variant type: single nucleotide variant.
Coding change: c.82688G>A on transcript NM_001267550.2 (MANE Select); coding-DNA position 82688, G replaced by A.
Protein change: p.Arg27563His; replaces arginine 27563 with histidine.
Molecular consequence: missense variant.
Genome position (GRCh38, 1-based): chr2:178,563,444, C>T on the plus strand (G>A on the coding strand, the complement: TTN is on the minus strand). VCF-style: chr2-178563444-C-T. GRCh37 (hg19) VCF-style: chr2-179428171-C-T.
Other names: c.77765G>A, p.Arg25922His (NM_001256850.1); c.55493G>A, p.Arg18498His (NM_003319.4); c.74984G>A, p.Arg24995His (NM_133378.4); c.55868G>A, p.Arg18623His (NM_133432.3); c.56069G>A, p.Arg18690His (NM_133437.4); short protein forms R24995H, R27563H, R25922H, R18498H, R18623H, R18690H.
Identifiers: ClinVar variation 191876 (VCV000191876.23), dbSNP rs118079537, ClinGen allele CA237761.